The following is an entry in ClinVar:

NM_003849.4(SUCLG1):c.694A>G (p.Asn232Asp)

Gene: SUCLG1 (succinate-CoA ligase GDP/ADP-forming subunit alpha; minus strand). Cytogenetic location: 2p11.2.
Variant type: single nucleotide variant.
Coding change: c.694A>G on transcript NM_003849.4 (MANE Select); coding-DNA position 694, A replaced by G.
Protein change: p.Asn232Asp; replaces asparagine 232 with aspartic acid.
Molecular consequence: missense variant.
Genome position (GRCh38, 1-based): chr2:84,431,639, T>C on the plus strand (A>G on the coding strand, the complement: SUCLG1 is on the minus strand). VCF-style: chr2-84431639-T-C. GRCh37 (hg19) VCF-style: chr2-84658763-T-C.
Other names: short protein forms N232D.
Identifiers: ClinVar variation 2077410 (VCV002077410.4), dbSNP rs943721369, ClinGen allele CA52253324.
Genomic context (GRCh38, chr2:84,431,639, plus strand): 5'-TGCCTTCTGTGGCAGAATCGTTCAAAAAGATTTCGAGGCAGTCAATAAAATCTGTTCCAT[T>C]AAAAGGATCACCTCCAATGCCTGAAAAAGTTGAAAAATATCAATAGCTGGAAATTTAAGG-3'
Protein context (NP_003840.2, residues 222-242): LCVGIGGDPF[Asn232Asp]GTDFIDCLEI

ClinVar aggregate classification (germline): Uncertain significance (1 of 4 stars; one submission).

Conditions:
Mitochondrial DNA depletion syndrome 9 (MTDPS9). Also called: SUCLG1-Related Mitochondrial DNA Depletion Syndrome, Encephalomyopathic Form with Methylmalonic Aciduria. Identifiers: Orphanet 17, MedGen C3151476, MONDO:0009504, OMIM 245400.

Allele frequency attached by ClinVar (database versions not stated): gnomAD exomes below 0.00001; gnomAD 0.00001; TOPMed 0.00001.
gnomAD v4.1: 7 of 1,613,812 alleles (0.00043%); highest among the groups gnomAD compares: Non-Finnish European, 0.000085%; no homozygotes.

Submission:

Labcorp Genetics (formerly Invitae), Labcorp
Classification: Uncertain significance for Mitochondrial DNA depletion syndrome 9. Last evaluated: 2022-11-07. Review status: criteria provided, single submitter. Criteria: Invitae Variant Classification Sherloc (09022015). Collection method: clinical testing. Allele origin: germline.
Comment: In summary, the available evidence is currently insufficient to determine the role of this variant in disease. Therefore, it has been classified as a Variant of Uncertain Significance. Advanced modeling of protein sequence and biophysical properties (such as structural, functional, and spatial information, amino acid conservation, physicochemical variation, residue mobility, and thermodynamic stability) has been performed at Invitae for this missense variant, however the output from this modeling did not meet the statistical confidence thresholds required to predict the impact of this variant on SUCLG1 protein function. This variant has not been reported in the literature in individuals affected with SUCLG1-related conditions. This variant is present in population databases (no rsID available, gnomAD 0.3%). This sequence change replaces asparagine, which is neutral and polar, with aspartic acid, which is acidic and polar, at codon 232 of the SUCLG1 protein (p.Asn232Asp).